The following is an entry in ClinVar:

NM_002334.4(LRP4):c.3980G>A (p.Arg1327Gln)

Gene: LRP4 (LDL receptor related protein 4; minus strand). Cytogenetic location: 11p11.2.
Variant type: single nucleotide variant.
Coding change: c.3980G>A on transcript NM_002334.4 (MANE Select); coding-DNA position 3980, G replaced by A.
Protein change: p.Arg1327Gln; replaces arginine 1327 with glutamine.
Molecular consequence: missense variant.
Genome position (GRCh38, 1-based): chr11:46,875,049, C>T on the plus strand (G>A on the coding strand, the complement: LRP4 is on the minus strand). VCF-style: chr11-46875049-C-T. GRCh37 (hg19) VCF-style: chr11-46896600-C-T.
Other names: c.3980G>A (NM_002334.3); short protein forms R1327Q.
Identifiers: ClinVar variation 196124 (VCV000196124.9), dbSNP rs146372809, ClinGen allele CA242958.
Genomic context (GRCh38, chr11:46,875,049, plus strand): 5'-GTCTTCCCATCTCCCTTCAGCTGGATGCCAGTGGGGCAGGCACAGGAGAAGCCAGAAGGC[C>T]GAGGCAAGCAGAGGTGGGAGCAGCCGCCATTTCTCGAGCCGCACTTGTTAAAACCTGGTG-3'
Protein context (NP_002325.2, residues 1317-1337): NGGCSHLCLP[Arg1327Gln]PSGFSCACPT

ClinVar aggregate classification (germline): Uncertain significance. Review status: criteria provided, multiple submitters, no conflicts (2 of 4 stars). 4 submissions from 4 submitters: Uncertain significance (4). Last evaluated 2023-02-07.

Conditions:
LRP4-related disorder. Also called: LRP4-related condition.
Congenital myasthenic syndrome 17. Identifiers: Orphanet 590, MedGen C4225377, MONDO:0014578, OMIM 616304.
Cenani-Lenz syndactyly syndrome. Also called: SYNDACTYLY, TYPE VII; CENANI SYNDACTYLISM. Identifiers: Orphanet 3258, MedGen C1859309, MONDO:0008931, OMIM 212780.
Sclerosteosis 2 (SOST2). Identifiers: Orphanet 3152, MedGen C3280402, MONDO:0013679, OMIM 614305.

Allele frequency attached by ClinVar (database versions not stated): TOPMed 0.00009; gnomAD exomes 0.00001 and 0.00002; ExAC 0.00003; gnomAD 0.00010 and 0.00008; ESP Exome Variant Server 0.00008.
gnomAD v4.1: 28 of 1,613,306 alleles (0.0017%); highest among the groups gnomAD compares: African/African-American, 0.025%; no homozygotes.

Submissions (4):

PreventionGenetics, part of Exact Sciences
Classification: Uncertain significance for LRP4-related condition. Last evaluated: 2023-02-07. Review status: criteria provided, single submitter. Criteria: ACMG Guidelines, 2015. Collection method: clinical testing. Allele origin: germline.
Comment: The LRP4 c.3980G>A variant is predicted to result in the amino acid substitution p.Arg1327Gln. To our knowledge, this variant has not been reported in the literature. This variant is reported in 0.036% of alleles in individuals of African descent in gnomAD. At this time, the clinical significance of this variant is uncertain due to the absence of conclusive functional and genetic evidence.

Labcorp Genetics (formerly Invitae), Labcorp
Classification: Uncertain significance for Cenani-Lenz syndactyly syndrome; Sclerosteosis 2; Congenital myasthenic syndrome 17. Last evaluated: 2022-07-26. Review status: criteria provided, single submitter. Criteria: Invitae Variant Classification Sherloc (09022015). Collection method: clinical testing. Allele origin: germline.
Comment: This sequence change replaces arginine, which is basic and polar, with glutamine, which is neutral and polar, at codon 1327 of the LRP4 protein (p.Arg1327Gln). This variant is present in population databases (rs146372809, gnomAD 0.03%). This variant has not been reported in the literature in individuals affected with LRP4-related conditions. ClinVar contains an entry for this variant (Variation ID: 196124). Algorithms developed to predict the effect of missense changes on protein structure and function are either unavailable or do not agree on the potential impact of this missense change (SIFT: "Deleterious"; PolyPhen-2: "Benign"; Align-GVGD: "Class C0"). Algorithms developed to predict the effect of sequence changes on RNA splicing suggest that this variant may create or strengthen a splice site. In summary, the available evidence is currently insufficient to determine the role of this variant in disease. Therefore, it has been classified as a Variant of Uncertain Significance.

Fulgent Genetics
Classification: Uncertain significance for Cenani-Lenz syndactyly syndrome; Sclerosteosis 2; Congenital myasthenic syndrome 17. Last evaluated: 2022-04-22. Review status: criteria provided, single submitter. Criteria: ACMG Guidelines, 2015. Collection method: clinical testing. Allele origin: unknown.

Eurofins Ntd Llc (ga)
Classification: Uncertain significance. Last evaluated: 2014-12-22. Review status: criteria provided, single submitter. Criteria: EGL Classification Definitions 2015. Collection method: clinical testing. Allele origin: germline. Observed: 1 variant allele, 1 heterozygote.